The following is an entry in ClinVar:

ClinVar aggregate classification (germline): Benign/Likely benign. Review status: criteria provided, multiple submitters, no conflicts (2 of 4 stars). 4 submissions from 4 submitters: Benign (2); Likely benign (2). Last evaluated 2026-03-01.

Allele frequency attached by ClinVar (database versions not stated): 1000 Genomes Project 0.00200; 1000 Genomes Project 30x 0.00203; ESP Exome Variant Server 0.00586.
gnomAD v4.1: 10,027 of 1,613,892 alleles (0.62%); highest among the groups gnomAD compares: Non-Finnish European, 0.77%; 36 homozygotes.

Submissions (4):

CeGaT Center for Human Genetics Tuebingen
Classification: Likely benign. Last evaluated: 2026-03-01. Review status: criteria provided, single submitter. Criteria: CeGaT Center For Human Genetics Tuebingen Variant Classification Criteria Version 2. Collection method: clinical testing. Allele origin: germline. Affected: yes. Observed: 3 variant alleles.
Comment: NPAT: BS2

Labcorp Genetics (formerly Invitae), Labcorp
Classification: Benign. Last evaluated: 2026-02-01. Review status: criteria provided, single submitter. Criteria: Invitae Variant Classification Sherloc (09022015). Collection method: clinical testing. Allele origin: germline.

Blueprint Genetics
Classification: Likely benign. Last evaluated: 2024-11-25. Review status: criteria provided, single submitter. Criteria: ACMG Guidelines, 2015. Collection method: clinical testing. Allele origin: germline.

Genetic Services Laboratory, University of Chicago
Classification: Benign. Last evaluated: 2018-09-18. Review status: criteria provided, single submitter. Criteria: ACMG Guidelines, 2015. Collection method: clinical testing. Allele origin: germline. Affected: no.

NM_002519.3(NPAT):c.3199G>A (p.Asp1067Asn)

Gene: NPAT (nuclear protein, coactivator of histone transcription; minus strand). Cytogenetic location: 11q22.3.
Variant type: single nucleotide variant.
Coding change: c.3199G>A on transcript NM_002519.3 (MANE Select); coding-DNA position 3199, G replaced by A.
Protein change: p.Asp1067Asn; replaces aspartic acid 1067 with asparagine.
Molecular consequence: missense variant.
Genome position (GRCh38, 1-based): chr11:108,161,887, C>T on the plus strand (G>A on the coding strand, the complement: NPAT is on the minus strand). VCF-style: chr11-108161887-C-T. GRCh37 (hg19) VCF-style: chr11-108032614-C-T.
Other names: c.3220G>A, p.Asp1074Asn (NM_001321307.1); short protein forms D1067N, D1074N.
Identifiers: ClinVar variation 1338702 (VCV001338702.33), dbSNP rs79119325, ClinGen allele CA6263621.